The following is an entry in ClinVar:

NM_001101.5(ACTB):c.94C>T (p.Pro32Ser)

Gene: ACTB (actin beta; minus strand). Cytogenetic location: 7p22.1.
Variant type: single nucleotide variant.
Coding change: c.94C>T on transcript NM_001101.5 (MANE Select); coding-DNA position 94, C replaced by T.
Protein change: p.Pro32Ser; replaces proline 32 with serine.
Molecular consequence: missense variant.
Genome position (GRCh38, 1-based): chr7:5,529,564, G>A on the plus strand (C>T on the coding strand, the complement: ACTB is on the minus strand). VCF-style: chr7-5529564-G-A. GRCh37 (hg19) VCF-style: chr7-5569195-G-A.
Other names: c.94C>T (NM_001101.4); short protein forms P32S.
Identifiers: ClinVar variation 1309667 (VCV001309667.13), dbSNP rs779839358, ClinGen allele CA4147196.
Genomic context (GRCh38, chr7:5,529,564, plus strand): 5'-CGGGGCTGCCCCACCCAGCCAGCTCCCCTACCTGGTGCCTGGGGCGCCCCACGATGGAGG[G>A]GAAGACGGCCCGGGGGGCATCGTCGCCCGCGAAGCCGGCCTTGCACATGCCGGAGCCGTT-3'
Protein context (NP_001092.1, residues 22-42): AGDDAPRAVF[Pro32Ser]SIVGRPRHQG

ClinVar aggregate classification (germline): Conflicting classifications of pathogenicity. Review status: criteria provided, conflicting classifications (1 of 4 stars). 6 submissions from 6 submitters: Likely pathogenic (2); Uncertain significance (3). 1 of the submissions does not count toward it. Last evaluated 2025-12-23.

Conditions:
Baraitser-Winter syndrome. Also called: Baraitser-Winter cerebrofrontofacial syndrome; CEREBROOCULOFACIAL LYMPHATIC SYNDROME; COFL SYNDROME; Fryns-Aftimos syndrome; Fryns-Aftimos Syndrome (Pachygyria, Mental Retardation, Epilepsy, and Characteristic Facies). Identifiers: Orphanet 2995, MedGen C1853623, MONDO:0017579.
Baraitser-Winter syndrome 1 (BRWS1). Also called: BARAITSER-WINTER SYNDROME 1, ATYPICAL; PACHYGYRIA, MENTAL RETARDATION, EPILEPSY, AND CHARACTERISTIC FACIES; MENTAL RETARDATION WITH EPILEPSY AND CHARACTERISTIC FACIES; Cerebrofrontofacial syndrome. Identifiers: Orphanet 2649, Orphanet 2995, MedGen C1855722, MONDO:0009470, OMIM 243310.

Allele frequency attached by ClinVar (database versions not stated): gnomAD exomes below 0.00001; ExAC 0.00001; gnomAD 0.00001.
gnomAD v4.1: 2 of 1,611,542 alleles (0.00012%); highest among the groups gnomAD compares: African/African-American, 0.0013%; no homozygotes.

Submissions (6):

GeneDx
Classification: Likely pathogenic. Last evaluated: 2025-12-23. Review status: criteria provided, single submitter. Criteria: GeneDx Variant Classification Process June 2021. Collection method: clinical testing. Allele origin: germline. Affected: yes.
Comment: Missense variants in this gene are a common cause of disease and they are underrepresented in the general population; In silico analysis supports that this missense variant has a deleterious effect on protein structure/function; Has not been previously published as pathogenic or benign to our knowledge

Labcorp Genetics (formerly Invitae), Labcorp
Classification: Uncertain significance for Baraitser-Winter syndrome 1. Last evaluated: 2023-09-01. Review status: criteria provided, single submitter. Criteria: Invitae Variant Classification Sherloc (09022015). Collection method: clinical testing. Allele origin: germline.
Comment: In summary, the available evidence is currently insufficient to determine the role of this variant in disease. Therefore, it has been classified as a Variant of Uncertain Significance. Advanced modeling of protein sequence and biophysical properties (such as structural, functional, and spatial information, amino acid conservation, physicochemical variation, residue mobility, and thermodynamic stability) performed at Invitae indicates that this missense variant is not expected to disrupt ACTB protein function. ClinVar contains an entry for this variant (Variation ID: 1309667). This variant has not been reported in the literature in individuals affected with ACTB-related conditions. This variant is present in population databases (rs779839358, gnomAD 0.004%). This sequence change replaces proline, which is neutral and non-polar, with serine, which is neutral and polar, at codon 32 of the ACTB protein (p.Pro32Ser).

Center for Genomics, Ann and Robert H. Lurie Children's Hospital of Chicago
Classification: Likely pathogenic for Baraitser-Winter syndrome. Last evaluated: 2022-12-09. Review status: criteria provided, single submitter. Criteria: ACMG Guidelines, 2015. Collection method: clinical testing. Allele origin: de novo. Observed: 1 variant allele.
Comment: This variant has not been reported in the literature but has been identified by external laboratories in at least 4 unrelated individuals with a wide range of clinical features including a combination of motor and/or speech delays, dysmorphic facial features, short stature, hearing loss, and others, and was found to segregate with disease in at least 3 apparently similarly affected family members (ClinVar Variation ID: 1309667; personal communication). It is present in the Genome Aggregation Database (Highest reported MAF: 0.002% [1/41474]). Please note, disease-causing variants may be present in control databases at low frequencies, reflective of the general population, incomplete penetrance, and/or variable expressivity. Evolutionary conservation and computational prediction tools strongly suggest that this variant may impact the protein. In summary, data on this variant is highly suspicious for disease, but requires further evidence for pathogenicity. Therefore, this variant is classified as likely pathogenic.

Greenwood Genetic Center Diagnostic Laboratories, Greenwood Genetic Center
Classification: Uncertain significance. Last evaluated: 2022-04-21. Review status: criteria provided, single submitter. Criteria: ACMG Guidelines, 2015. Collection method: clinical testing. Allele origin: germline. Affected: yes.
Comment: PM2

Blueprint Genetics
Classification: Uncertain significance. Last evaluated: 2022-01-20. Review status: criteria provided, single submitter. Criteria: ACMG Guidelines, 2015. Collection method: clinical testing. Allele origin: germline.

Clinical Genetics Laboratory, University Hospital Schleswig-Holstein
Classification: Uncertain significance for Baraitser-Winter syndrome 1. Last evaluated: 2024-03-18. Review status: no assertion criteria provided. Collection method: clinical testing. Allele origin: germline. Affected: yes. Not counted in ClinVar's aggregate classification.